The following is an entry in ClinVar:

ClinVar aggregate classification (germline): Uncertain significance (1 of 4 stars; one submission).

Conditions:
Familial cold autoinflammatory syndrome 2 (FCAS2). Identifiers: Orphanet 247868, MedGen C2673198, MONDO:0012724, OMIM 611762.

Submission:

Labcorp Genetics (formerly Invitae), Labcorp
Classification: Uncertain significance for Familial cold autoinflammatory syndrome 2. Last evaluated: 2025-09-20. Review status: criteria provided, single submitter. Criteria: Invitae Variant Classification Sherloc (09022015). Collection method: clinical testing. Allele origin: germline.
Comment: This sequence change replaces aspartic acid, which is acidic and polar, with glutamic acid, which is acidic and polar, at codon 8 of the NLRP12 protein (p.Asp8Glu). This variant is not present in population databases (gnomAD no frequency). This variant has not been reported in the literature in individuals affected with NLRP12-related conditions. ClinVar contains an entry for this variant (Variation ID: 536923). An algorithm developed to predict the effect of missense changes on protein structure and function (PolyPhen-2) suggests that this variant is likely to be tolerated. In summary, the available evidence is currently insufficient to determine the role of this variant in disease. Therefore, it has been classified as a Variant of Uncertain Significance.

NM_144687.4(NLRP12):c.24C>A (p.Asp8Glu)

Gene: NLRP12 (NLR family pyrin domain containing 12; minus strand). Cytogenetic location: 19q13.42.
Variant type: single nucleotide variant.
Coding change: c.24C>A on transcript NM_144687.4 (MANE Select); coding-DNA position 24, C replaced by A.
Protein change: p.Asp8Glu; replaces aspartic acid 8 with glutamic acid.
Molecular consequence: missense variant.
Genome position (GRCh38, 1-based): chr19:53,824,151, G>T on the plus strand (C>A on the coding strand, the complement: NLRP12 is on the minus strand). VCF-style: chr19-53824151-G-T. GRCh37 (hg19) VCF-style: chr19-54327405-G-T.
Other names: c.24C>A, p.Asp8Glu (NM_001277126.2, NM_001277129.1); short protein forms D8E.
Identifiers: ClinVar variation 536923 (VCV000536923.8), dbSNP rs577507616, ClinGen allele CA407419489.